The following is an entry in ClinVar:

ClinVar aggregate classification (germline): Likely benign (1 of 4 stars; one submission).

Allele frequency attached by ClinVar (database versions not stated): 1000 Genomes Project 0.00100; 1000 Genomes Project 30x 0.00125; ESP Exome Variant Server 0.00361; TOPMed 0.00375; gnomAD 0.00388; gnomAD exomes 0.00606; ExAC 0.00749.
gnomAD v4.1: 9,235 of 1,587,392 alleles (0.58%); highest among the groups gnomAD compares: Non-Finnish European, 0.73%; 34 homozygotes.

Submission:

CeGaT Center for Human Genetics Tuebingen
Classification: Likely benign. Last evaluated: 2022-07-01. Review status: criteria provided, single submitter. Criteria: CeGaT Center For Human Genetics Tuebingen Variant Classification Criteria Version 2. Collection method: clinical testing. Allele origin: germline. Affected: yes. Observed: 1 variant allele.
Comment: SLC2A8: BP4, BP7

NM_014580.5(SLC2A8):c.394C>T (p.Leu132=)

Gene: SLC2A8 (solute carrier family 2 member 8; plus strand). Cytogenetic location: 9q33.3.
Variant type: single nucleotide variant.
Coding change: c.394C>T on transcript NM_014580.5 (MANE Select); coding-DNA position 394, C replaced by T.
Protein change: p.Leu132=; no amino-acid change (leucine 132 retained).
Molecular consequence: synonymous variant. On other transcripts: intron variant (1).
Genome position (GRCh38, 1-based): chr9:127,398,079, C>T. VCF-style: chr9-127398079-C-T. GRCh37 (hg19) VCF-style: chr9-130160358-C-T.
Other names: c.394C>T, p.Leu132= (NM_001271711.2); c.-64+793C>T (NM_001271712.2).
Identifiers: ClinVar variation 2659500 (VCV002659500.24), dbSNP rs113005748, ClinGen allele CA5245043.